The following is an entry in ClinVar:

ClinVar aggregate classification (germline): Pathogenic (1 of 4 stars; one submission).

Conditions:
Mitochondrial DNA depletion syndrome 1. Also called: POLIP SYNDROME; POLYNEUROPATHY, OPHTHALMOPLEGIA, LEUKOENCEPHALOPATHY, AND INTESTINAL PSEUDOOBSTRUCTION; Mitochondrial Neurogastrointestinal Encephalopathy Disease; MITOCHONDRIAL NEUROGASTROINTESTINAL ENCEPHALOPATHY SYNDROME, TYMP-RELATED; MNGIE, TYMP-RELATED; Mitochondrial neurogastrointestinal encephalomyopathy syndrome. Identifiers: Orphanet 298, MedGen C4551995, MONDO:0011283, OMIM 603041.

Submission:

Myriad Genetics, Inc.
Classification: Pathogenic for Mitochondrial DNA depletion syndrome 1. Last evaluated: 2026-03-19. Review status: criteria provided, single submitter. Criteria: Myriad Autosomal Dominant, Autosomal Recessive and X-Linked Classification Criteria (2023). Collection method: clinical testing. Allele origin: unknown.
Comment: NM_001953.4(TYMP):c.268dupG(V90Gfs*34) is expected to be pathogenic in the context of mitochondrial neurogastrointestinal encephalopathy disease. This variant is predicted to lead to an abnormal or absent protein product due to the creation of a premature termination codon in TYMP, a gene where loss-of-function variants are known to be pathogenic. Please note: this variant was assessed in the context of healthy population screening.

NM_001953.5(TYMP):c.268dup (p.Val90fs)

Genes: TYMP (thymidine phosphorylase; minus strand), LOC130067864 (ATAC-STARR-seq lymphoblastoid active region 19325; plus strand). Cytogenetic location: 22q13.33.
Variant type: Duplication.
Coding change: c.268dup on transcript NM_001953.5 (MANE Select); coding-DNA position 268, one base duplicated (G; older notation c.268dupG).
Protein change: p.Val90fs; shifts the reading frame from valine 90.
Molecular consequence: frameshift variant.
Genome position (GRCh38, 1-based): chr22:50,529,285, C duplicated on the plus strand (G on the coding strand, the reverse complement: TYMP is on the minus strand); the first of 2 consecutive C bases (chr22:50,529,285-50,529,286); duplicating either gives the same sequence. VCF-style (leftmost placement, unchanged base first): chr22-50529284-A-AC. GRCh37 (hg19) VCF-style: chr22-50967713-A-AC.
Other names: c.268dup, p.Val90fs (NM_001113755.3, NM_001113756.3, NM_001257988.1 and 1 more transcripts); short protein forms V90fs.
Identifiers: ClinVar variation 5011864 (VCV005011864.1).